The following is an entry in ClinVar:

ClinVar aggregate classification (germline): Pathogenic (1 of 4 stars; one submission).

Conditions:
Glycine encephalopathy. Also called: Nonketotic hyperglycinemia; Non-ketotic hyperglycinemia. Identifiers: Orphanet 407, MedGen C0751748, MONDO:0011612, HP:0008288.

Submission:

Labcorp Genetics (formerly Invitae), Labcorp
Classification: Pathogenic for Glycine encephalopathy. Last evaluated: 2025-12-19. Review status: criteria provided, single submitter. Criteria: Invitae Variant Classification Sherloc (09022015). Collection method: clinical testing. Allele origin: germline.
Comment: This sequence change creates a premature translational stop signal (p.Leu365Phefs*52) in the GLDC gene. It is expected to result in an absent or disrupted protein product. Loss-of-function variants in GLDC are known to be pathogenic (PMID: 16601880). This variant is not present in population databases (gnomAD no frequency). This variant has not been reported in the literature in individuals affected with GLDC-related conditions. For these reasons, this variant has been classified as Pathogenic.

Literature cited by the submitters: PubMed 16601880.

NM_000170.3(GLDC):c.1092del (p.Leu365fs)

Gene: GLDC (glycine decarboxylase; minus strand). Cytogenetic location: 9p24.1.
Variant type: Deletion.
Coding change: c.1092del on transcript NM_000170.3 (MANE Select); coding-DNA position 1092, one base deleted (T; older notation c.1092delT).
Protein change: p.Leu365fs; shifts the reading frame from leucine 365.
Molecular consequence: frameshift variant.
Genome position (GRCh38, 1-based): chr9:6,602,172, A deleted on the plus strand (T on the coding strand, the reverse complement: GLDC is on the minus strand). VCF-style (leftmost placement, unchanged base first): chr9-6602171-GA-G. GRCh37 (hg19) VCF-style: chr9-6602171-GA-G.
Other names: short protein forms L365fs.
Identifiers: ClinVar variation 4727308 (VCV004727308.1).